The following is an entry in ClinVar:

NM_000169.3(GLA):c.778G>C (p.Gly260Arg)

Genes: GLA (galactosidase alpha; minus strand), RPL36A-HNRNPH2 (RPL36A-HNRNPH2 readthrough; plus strand). Cytogenetic location: Xq22.1.
Variant type: single nucleotide variant.
Coding change: c.778G>C on transcript NM_000169.3 (MANE Select); coding-DNA position 778, G replaced by C.
Protein change: p.Gly260Arg; replaces glycine 260 with arginine.
Molecular consequence: missense variant. On other transcripts: non-coding transcript variant (3), intron variant (2).
Genome position (GRCh38, 1-based): chrX:101,398,808, C>G on the plus strand (G>C on the coding strand, the complement: GLA is on the minus strand). VCF-style: chrX-101398808-C-G. GRCh37 (hg19) VCF-style: chrX-100653796-C-G.
Other names: c.901G>C, p.Gly301Arg (NM_001406747.1); c.778G>C, p.Gly260Arg (NM_001406748.1); c.300+3351C>G (NM_001199973.2); c.177+6986C>G (NM_001199974.2); short protein forms G260R, G301R.
Identifiers: ClinVar variation 4087509 (VCV004087509.2).

ClinVar aggregate classification (germline): Likely pathogenic (1 of 4 stars; one submission).

Conditions:
Fabry disease. Also called: ALPHA-GALACTOSIDASE A DEFICIENCY; ANDERSON-FABRY DISEASE; CERAMIDE TRIHEXOSIDASE DEFICIENCY; GLA DEFICIENCY; HEREDITARY DYSTOPIC LIPIDOSIS; Angiokeratoma corporis diffusum. Identifiers: Orphanet 324, MedGen C0002986, MONDO:0010526, OMIM 301500, HP:0001071. Disease mechanism: Fabry disease is due to inactivating mutations in the X-linked GLA gene resulting in deficiency of the enzyme Alpha Galactosidase-A., loss of function.

Submission:

Genomenon, Inc
Classification: Likely pathogenic for Fabry disease. Last evaluated: 2026-09-08. Review status: criteria provided, single submitter. Criteria: Genomenon Sequence Variant Interpretation Standards - Updated. Collection method: curation. Allele origin: germline. Affected: yes.
Comment: GLA p.Gly260Arg (c.778G>C) is a missense variant that changes the amino acid at codon 260 from Glycine to Arginine. This variant has been observed in at least one proband with clinical features consistent with Fabry disease (PMID:38213034;41013812;39609713). The variant was found to segregate with disease in at least one affected family (PMID:38213034). Functional or patient cell studies have been reported (PMID:38213034;39609713). This variant is located in a mutational hotspot and/or important functional domain. It is absent or not present at a significant frequency in gnomAD. In silico models predict that this variant is possibly or probably damaging. In conclusion, we classify GLA p.Gly260Arg (c.778G>C) as a likely pathogenic variant.

Literature cited by the submitters: PubMed 38213034; PubMed 41013812; PubMed 39609713.